The following is an entry in ClinVar:

ClinVar aggregate classification (germline): Uncertain significance (1 of 4 stars; one submission).

Conditions:
Arrhythmogenic right ventricular dysplasia 13. Also called: Arrhythmogenic right ventricular dysplasia, familial, 13; ARRHYTHMOGENIC RIGHT VENTRICULAR CARDIOMYOPATHY 13. Identifiers: MedGen C3810138, MONDO:0000908, OMIM 615616.

Submission:

Labcorp Genetics (formerly Invitae), Labcorp
Classification: Uncertain significance for Arrhythmogenic right ventricular dysplasia 13. Last evaluated: 2023-07-10. Review status: criteria provided, single submitter. Criteria: Invitae Variant Classification Sherloc (09022015). Collection method: clinical testing. Allele origin: germline.
Comment: In summary, the available evidence is currently insufficient to determine the role of this variant in disease. Therefore, it has been classified as a Variant of Uncertain Significance. ClinVar contains an entry for this variant (Variation ID: 2016438). This variant has not been reported in the literature in individuals affected with CTNNA3-related conditions. This variant is not present in population databases (gnomAD no frequency). This sequence change creates a premature translational stop signal (p.Glu634*) in the CTNNA3 gene. It is expected to result in an absent or disrupted protein product. However, the current clinical and genetic evidence is not sufficient to establish whether loss-of-function variants in CTNNA3 cause disease.

NM_013266.4(CTNNA3):c.1900G>T (p.Glu634Ter)

Genes: CTNNA3 (catenin alpha 3; minus strand), CTNNA3-AS1 (CTNNA3 antisense RNA 1; plus strand). Cytogenetic location: 10q21.3.
Variant type: single nucleotide variant.
Coding change: c.1900G>T on transcript NM_013266.4 (MANE Select); coding-DNA position 1900, G replaced by T.
Protein change: p.Glu634Ter; replaces glutamic acid 634 with a stop codon.
Molecular consequence: nonsense.
Genome position (GRCh38, 1-based): chr10:66,103,234, C>A on the plus strand (G>T on the coding strand, the complement: CTNNA3 is on the minus strand). VCF-style: chr10-66103234-C-A. GRCh37 (hg19) VCF-style: chr10-67862992-C-A.
Other names: c.1900G>T, p.Glu634Ter (NM_001127384.3); short protein forms E634*.
Identifiers: ClinVar variation 2016438 (VCV002016438.4), dbSNP rs77165728, ClinGen allele CA377090800.